The following is an entry in ClinVar:

NM_002317.7(LOX):c.915C>A (p.Asp305Glu)

Genes: SRFBP1 (serum response factor binding protein 1; plus strand), LOX (lysyl oxidase; minus strand). Cytogenetic location: 5q23.1.
Variant type: single nucleotide variant.
Coding change: c.915C>A on transcript NM_002317.7 (MANE Select); coding-DNA position 915, C replaced by A.
Protein change: p.Asp305Glu; replaces aspartic acid 305 with glutamic acid.
Molecular consequence: missense variant.
Genome position (GRCh38, 1-based): chr5:122,074,133, G>T on the plus strand (C>A on the coding strand, the complement: LOX is on the minus strand). VCF-style: chr5-122074133-G-T. GRCh37 (hg19) VCF-style: chr5-121409828-G-T.
Other names: c.225C>A, p.Asp75Glu (NM_001178102.2); c.24C>A, p.Asp8Glu (NM_001317073.1); short protein forms D75E, D8E, D305E.
Identifiers: ClinVar variation 2158493 (VCV002158493.4), dbSNP rs111837818, ClinGen allele CA125948733.
Genomic context (GRCh38, chr5:122,074,133, plus strand): 5'-AAGACAGAAACTTGCTTTGTGGCCTTCAGCCACTCTCCTCTGGGTGTTGGCATCAAGCAG[G>T]TCATAGTGGCTAAACTCATCCATACTGTGGTAATGTCTGATGTCCCACAAAACAAAAAGA-3'
Protein context (NP_002308.2, residues 295-315): YHSMDEFSHY[Asp305Glu]LLDANTQRRV

ClinVar aggregate classification (germline): Uncertain significance (1 of 4 stars; one submission).

gnomAD v4.1: 2 of 1,614,108 alleles (0.00012%); highest among the groups gnomAD compares: Admixed American, 0.0017%; no homozygotes.

Submission:

Labcorp Genetics (formerly Invitae), Labcorp
Classification: Uncertain significance. Last evaluated: 2022-07-17. Review status: criteria provided, single submitter. Criteria: Invitae Variant Classification Sherloc (09022015). Collection method: clinical testing. Allele origin: germline.
Comment: Algorithms developed to predict the effect of missense changes on protein structure and function are either unavailable or do not agree on the potential impact of this missense change (SIFT: "Not Available"; PolyPhen-2: "Benign"; Align-GVGD: "Not Available"). In summary, the available evidence is currently insufficient to determine the role of this variant in disease. Therefore, it has been classified as a Variant of Uncertain Significance. This variant has not been reported in the literature in individuals affected with LOX-related conditions. This variant is not present in population databases (gnomAD no frequency). This sequence change replaces aspartic acid, which is acidic and polar, with glutamic acid, which is acidic and polar, at codon 305 of the LOX protein (p.Asp305Glu).